The following is an entry in ClinVar:

NM_006767.4(LZTR1):c.593+186G>A

Gene: LZTR1 (leucine zipper like post translational regulator 1; plus strand). Cytogenetic location: 22q11.21.
Variant type: single nucleotide variant.
Coding change: c.593+186G>A on transcript NM_006767.4 (MANE Select); 186 bases into the intron after coding-DNA position 593, G replaced by A.
Molecular consequence: intron variant.
Genome position (GRCh38, 1-based): chr22:20,989,058, G>A. VCF-style: chr22-20989058-G-A. GRCh37 (hg19) VCF-style: chr22-21343347-G-A.
Identifiers: ClinVar variation 561661 (VCV000561661.2), dbSNP rs111871065, ClinGen allele CA322324508.

ClinVar aggregate classification (germline): Likely benign. Review status: criteria provided, multiple submitters, no conflicts (2 of 4 stars). 2 submissions from 2 submitters: Likely benign (2). Last evaluated 2018-06-14.

Allele frequency attached by ClinVar (database versions not stated): 1000 Genomes Project 0.01058; gnomAD 0.01103 and 0.01192; 1000 Genomes Project 30x 0.01187; TOPMed 0.01231.
gnomAD v4.1: 1,664 of 152,268 alleles (1.1%); highest among the groups gnomAD compares: African/African-American, 3.8%; 28 homozygotes.

Submissions (2):

GeneDx
Classification: Likely benign. Last evaluated: 2018-06-14. Review status: criteria provided, single submitter. Criteria: GeneDx Variant Classification (06012015). Collection method: clinical testing. Allele origin: germline. Affected: yes.
Comment: This variant is considered likely benign or benign based on one or more of the following criteria: it is a conservative change, it occurs at a poorly conserved position in the protein, it is predicted to be benign by multiple in silico algorithms, and/or has population frequency not consistent with disease.

Breakthrough Genomics
Classification: Likely benign. Review status: criteria provided, single submitter. Criteria: ACMG Guidelines, 2015. Collection method: not provided. Allele origin: germline. Inheritance: Autosomal recessive inheritance. Affected: yes.